The following is an entry in ClinVar:

NM_203447.4(DOCK8):c.895-9C>T

Gene: DOCK8 (dedicator of cytokinesis 8; plus strand). Cytogenetic location: 9p24.3.
Variant type: single nucleotide variant.
Coding change: c.895-9C>T on transcript NM_203447.4 (MANE Select); 9 bases into the intron before coding-DNA position 895, C replaced by T.
Molecular consequence: intron variant.
Genome position (GRCh38, 1-based): chr9:328,013, C>T. VCF-style: chr9-328013-C-T. GRCh37 (hg19) VCF-style: chr9-328013-C-T.
Other names: c.691-9C>T (NM_001193536.2, NM_001190458.2).
Identifiers: ClinVar variation 390076 (VCV000390076.3), dbSNP rs1057523638, ClinGen allele CA16605837.

ClinVar aggregate classification (germline): Likely benign. Review status: criteria provided, single submitter (1 of 4 stars). 2 submissions from 2 submitters: Likely benign (1). 1 of the submissions does not count toward it. Last evaluated 2016-10-17.

Conditions:
DOCK8-related disorder. Also called: DOCK8-related condition.

Allele frequency attached by ClinVar (database versions not stated): gnomAD exomes below 0.00001; gnomAD 0.00001.
gnomAD v4.1: 4 of 1,613,196 alleles (0.00025%); highest among the groups gnomAD compares: African/African-American, 0.0013%; no homozygotes.

Submissions (2):

GeneDx
Classification: Likely benign. Last evaluated: 2016-10-17. Review status: criteria provided, single submitter. Criteria: GeneDx Variant Classification (06012015). Collection method: clinical testing. Allele origin: germline. Affected: yes.
Comment: This variant is considered likely benign or benign based on one or more of the following criteria: it is a conservative change, it occurs at a poorly conserved position in the protein, it is predicted to be benign by multiple in silico algorithms, and/or has population frequency not consistent with disease.

PreventionGenetics, part of Exact Sciences
Classification: Likely benign for DOCK8-related condition. Last evaluated: 2023-03-30. Review status: no assertion criteria provided. Collection method: clinical testing. Allele origin: germline. Not counted in ClinVar's aggregate classification.
Comment: This variant is classified as likely benign based on ACMG/AMP sequence variant interpretation guidelines (Richards et al. 2015 PMID: 25741868, with internal and published modifications).